The following is an entry in ClinVar:

NM_007294.4(BRCA1):c.134+1632C>A

Gene: BRCA1 (BRCA1 DNA repair associated; minus strand). Cytogenetic location: 17q21.31.
Variant type: single nucleotide variant.
Coding change: c.134+1632C>A on transcript NM_007294.4 (MANE Select); 1632 bases into the intron after coding-DNA position 134, C replaced by A.
Molecular consequence: intron variant.
Genome position (GRCh38, 1-based): chr17:43,114,094, G>T on the plus strand (C>A on the coding strand, the complement: BRCA1 is on the minus strand). VCF-style: chr17-43114094-G-T. GRCh37 (hg19) VCF-style: chr17-41266111-G-T.
Other names: IVS 3+1632C>A; c.-8+1632C>A (NM_001408458.1, NM_001408470.1, NM_001407848.1 and 47 more transcripts); c.-219+11183C>A (NM_001407967.1); c.-169-9138C>A (NM_001407959.1, NM_001407963.1); c.-7-7561C>A (NM_001407931.1, NM_001407747.1, NM_001408461.1 and 28 more transcripts); c.-170+1632C>A (NM_001407962.1, NM_001408512.1, NM_001408510.1 and 1 more transcripts); c.-55+1632C>A (NM_001407885.1, NM_001407886.1, NM_001408509.1 and 52 more transcripts); c.-124+1632C>A (NM_001407746.1, NM_001408468.1, NM_001407842.1 and 13 more transcripts); and 11 more.
Identifiers: ClinVar variation 209528 (VCV000209528.2), dbSNP rs8176106, ClinGen allele CA276497.
Genomic context (GRCh38, chr17:43,114,094, plus strand): 5'-CACTGCACTCCAGCCTGGGCAATAGAGTGAAACACCATCTCAAAAAAAAAAAAAGACAGG[G>T]TCTCACTCTGTCATCTAGGCTGGAGTGCAGTGGTGTGATCATAGCTCACTACAGCTTCGA-3'

ClinVar aggregate classification (germline): Benign (3 of 4 stars; one submission).

Conditions:
Breast-ovarian cancer, familial, susceptibility to, 1 (BROVCA1). Also called: BRCA1 Hereditary Breast and Ovarian Cancer; OVARIAN CANCER, SUSCEPTIBILITY TO. Identifiers: Orphanet 145, MedGen C2676676, MONDO:0011450, OMIM 604370. Disease mechanism: loss of function.

Allele frequency attached by ClinVar (database versions not stated): 1000 Genomes Project 0.01078; TOPMed 0.01107; 1000 Genomes Project 30x 0.01171.
gnomAD v4.1: 1,419 of 151,938 alleles (0.93%); highest among the groups gnomAD compares: African/African-American, 3.2%; 19 homozygotes.

Submission:

Evidence-based Network for the Interpretation of Germline Mutant Alleles (ENIGMA)
Classification: Benign for Breast-ovarian cancer, familial 1. Last evaluated: 2015-01-12. Review status: reviewed by expert panel. Criteria: ENIGMA BRCA1/2 Classification Criteria (2015). Collection method: curation. Allele origin: germline.
Comment: Class 1 not pathogenic based on frequency >1% in an outbred sampleset. Frequency 0.06504 (African), derived from 1000 genomes (2012-04-30).